The following is an entry in ClinVar:

NM_005012.4(ROR1):c.1791T>G (p.Ile597Met)

Gene: ROR1 (receptor tyrosine kinase like orphan receptor 1; plus strand). Cytogenetic location: 1p31.3.
Variant type: single nucleotide variant.
Coding change: c.1791T>G on transcript NM_005012.4 (MANE Select); coding-DNA position 1791, T replaced by G.
Protein change: p.Ile597Met; replaces isoleucine 597 with methionine.
Molecular consequence: missense variant.
Genome position (GRCh38, 1-based): chr1:64,177,832, T>G. VCF-style: chr1-64177832-T-G. GRCh37 (hg19) VCF-style: chr1-64643515-T-G.
Other names: short protein forms I597M.
Identifiers: ClinVar variation 2063079 (VCV002063079.5), dbSNP rs762044481, ClinGen allele CA890333.

ClinVar aggregate classification (germline): Uncertain significance. Review status: criteria provided, multiple submitters, no conflicts (2 of 4 stars). 2 submissions from 2 submitters: Uncertain significance (2). Last evaluated 2025-03-17.

Allele frequency attached by ClinVar (database versions not stated): ExAC 0.00001; gnomAD 0.00001; TOPMed 0.00001.
gnomAD v4.1: 2 of 1,614,040 alleles (0.00012%); highest among the groups gnomAD compares: African/African-American, 0.0027%; no homozygotes.

Submissions (2):

Labcorp Genetics (formerly Invitae), Labcorp
Classification: Uncertain significance. Last evaluated: 2025-03-17. Review status: criteria provided, single submitter. Criteria: Invitae Variant Classification Sherloc (09022015). Collection method: clinical testing. Allele origin: germline.
Comment: This sequence change replaces isoleucine, which is neutral and non-polar, with methionine, which is neutral and non-polar, at codon 597 of the ROR1 protein (p.Ile597Met). This variant is present in population databases (rs762044481, gnomAD 0.007%). This variant has not been reported in the literature in individuals affected with ROR1-related conditions. ClinVar contains an entry for this variant (Variation ID: 2063079). Invitae Evidence Modeling of protein sequence and biophysical properties (such as structural, functional, and spatial information, amino acid conservation, physicochemical variation, residue mobility, and thermodynamic stability) indicates that this missense variant is not expected to disrupt ROR1 protein function with a negative predictive value of 80%. In summary, the available evidence is currently insufficient to determine the role of this variant in disease. Therefore, it has been classified as a Variant of Uncertain Significance.

Ambry Genetics
Classification: Uncertain significance. Last evaluated: 2021-09-17. Review status: criteria provided, single submitter. Criteria: Ambry Variant Classification Scheme 2023. Collection method: clinical testing. Allele origin: germline.